The following is an entry in ClinVar:

NM_001195263.2(PDZD7):c.845C>T (p.Thr282Met)

Gene: PDZD7 (PDZ domain containing 7; minus strand). Cytogenetic location: 10q24.31.
Variant type: single nucleotide variant.
Coding change: c.845C>T on transcript NM_001195263.2 (MANE Select); coding-DNA position 845, C replaced by T.
Protein change: p.Thr282Met; replaces threonine 282 with methionine.
Molecular consequence: missense variant.
Genome position (GRCh38, 1-based): chr10:101,021,820, G>A on the plus strand (C>T on the coding strand, the complement: PDZD7 is on the minus strand). VCF-style: chr10-101021820-G-A. GRCh37 (hg19) VCF-style: chr10-102781577-G-A.
Other names: c.845C>T, p.Thr282Met (NM_001351044.2, NM_024895.5); short protein forms T282M.
Identifiers: ClinVar variation 860980 (VCV000860980.10), dbSNP rs147215491, ClinGen allele CA5654241.
Genomic context (GRCh38, chr10:101,021,820, plus strand): 5'-CTAGCCTCACCTCTCCCTACCCCCACTGTTCTGCCCACCTTGATGGTCAGCATGATGTGC[G>A]TTTGGCCCTTCAGCACCTCCACGGCCTGGCTGTGGCTGATGTCGTCAAACCTGACACCGT-3'
Protein context (NP_001182192.1, residues 272-292): SQAVEVLKGQ[Thr282Met]HIMLTIKETG

ClinVar aggregate classification (germline): Uncertain significance. Review status: criteria provided, multiple submitters, no conflicts (2 of 4 stars). 2 submissions from 2 submitters: Uncertain significance (2). Last evaluated 2025-04-28.

Allele frequency attached by ClinVar (database versions not stated): TOPMed 0.00008; gnomAD 0.00009 and 0.00011; ESP Exome Variant Server 0.00015.

Submissions (2):

Labcorp Genetics (formerly Invitae), Labcorp
Classification: Uncertain significance. Last evaluated: 2025-04-28. Review status: criteria provided, single submitter. Criteria: Invitae Variant Classification Sherloc (09022015). Collection method: clinical testing. Allele origin: germline.
Comment: This sequence change replaces threonine, which is neutral and polar, with methionine, which is neutral and non-polar, at codon 282 of the PDZD7 protein (p.Thr282Met). This variant is present in population databases (rs147215491, gnomAD 0.03%). This variant has not been reported in the literature in individuals affected with PDZD7-related conditions. ClinVar contains an entry for this variant (Variation ID: 860980). Invitae Evidence Modeling of protein sequence and biophysical properties (such as structural, functional, and spatial information, amino acid conservation, physicochemical variation, residue mobility, and thermodynamic stability) indicates that this missense variant is not expected to disrupt PDZD7 protein function with a negative predictive value of 80%. In summary, the available evidence is currently insufficient to determine the role of this variant in disease. Therefore, it has been classified as a Variant of Uncertain Significance.

GeneDx
Classification: Uncertain significance. Last evaluated: 2024-09-13. Review status: criteria provided, single submitter. Criteria: GeneDx Variant Classification Process June 2021. Collection method: clinical testing. Allele origin: germline. Affected: yes.
Comment: In silico analysis supports that this missense variant has a deleterious effect on protein structure/function; Has not been previously published as pathogenic or benign to our knowledge